The following is an entry in ClinVar:

NM_000384.3(APOB):c.10943T>G (p.Val3648Gly)

Gene: APOB (apolipoprotein B; minus strand). Cytogenetic location: 2p24.1.
Variant type: single nucleotide variant.
Coding change: c.10943T>G on transcript NM_000384.3 (MANE Select); coding-DNA position 10943, T replaced by G.
Protein change: p.Val3648Gly; replaces valine 3648 with glycine.
Molecular consequence: missense variant.
Genome position (GRCh38, 1-based): chr2:21,005,925, A>C on the plus strand (T>G on the coding strand, the complement: APOB is on the minus strand). VCF-style: chr2-21005925-A-C. GRCh37 (hg19) VCF-style: chr2-21228797-A-C.
Other names: short protein forms V3648G.
Identifiers: ClinVar variation 1790057 (VCV001790057.3), dbSNP rs1663123883, ClinGen allele CA345984391.

ClinVar aggregate classification (germline): Uncertain significance (1 of 4 stars; one submission).

Conditions:
Cardiovascular phenotype. Identifiers: MedGen CN230736.

gnomAD v4.1: 1 of 1,613,894 alleles (0.000062%); highest among the groups gnomAD compares: Middle Eastern, 0.016%; no homozygotes.

Submission:

Ambry Genetics
Classification: Uncertain significance for Cardiovascular phenotype. Last evaluated: 2025-11-02. Review status: criteria provided, single submitter. Criteria: Ambry Variant Classification Scheme 2023. Collection method: clinical testing. Allele origin: germline.
Comment: The p.V3648G variant (also known as c.10943T>G), located in coding exon 26 of the APOB gene, results from a T to G substitution at nucleotide position 10943. The valine at codon 3648 is replaced by glycine, an amino acid with dissimilar properties. This amino acid position is poorly conserved in available vertebrate species. In addition, this alteration is predicted to be tolerated by in silico analysis. Since supporting evidence is limited at this time, the clinical significance of this alteration remains unclear.